The following is an entry in ClinVar:

ClinVar aggregate classification (germline): Benign/Likely benign. Review status: criteria provided, multiple submitters, no conflicts (2 of 4 stars). 4 submissions from 3 submitters: Benign (2); Likely benign (2). Last evaluated 2025-12-08.

Conditions:
Cutis laxa, autosomal dominant 1 (ADCL1). Also called: ELN-Related Cutis Laxa. Identifiers: Orphanet 90348, MedGen C3276539, MONDO:0007411, OMIM 123700. Disease mechanism: Dominant Negative.
Supravalvar aortic stenosis (SVAS). Also called: Supravalvar aortic stenosis, Eisenberg type. Identifiers: Orphanet 3193, MedGen C0003499, MONDO:0008504, OMIM 185500, HP:0004381.

Allele frequency attached by ClinVar (database versions not stated): gnomAD exomes 0.00015; ExAC 0.00016; gnomAD 0.00017 and 0.00018; 1000 Genomes Project 0.00020.
gnomAD v4.1: 130 of 1,592,850 alleles (0.0082%); highest among the groups gnomAD compares: African/African-American, 0.026%; no homozygotes.

Submissions (4):

Labcorp Genetics (formerly Invitae), Labcorp
Classification: Benign for Supravalvar aortic stenosis. Last evaluated: 2025-12-08. Review status: criteria provided, single submitter. Criteria: Invitae Variant Classification Sherloc (09022015). Collection method: clinical testing. Allele origin: germline.

Blueprint Genetics
Classification: Likely benign. Last evaluated: 2021-07-27. Review status: criteria provided, single submitter. Criteria: ACMG Guidelines, 2015. Collection method: clinical testing. Allele origin: germline.

Illumina Laboratory Services, Illumina
Classification: Benign for Cutis laxa, autosomal dominant 1. Last evaluated: 2018-01-13. Review status: criteria provided, single submitter. Criteria: ICSL Variant Classification Criteria 13 December 2019. Collection method: clinical testing. Allele origin: germline.
Comment: This variant was observed in the ICSL laboratory as part of a predisposition screen in an ostensibly healthy population. It had not been previously curated by ICSL or reported in the Human Gene Mutation Database (HGMD: prior to June 1st, 2018), and was therefore a candidate for classification through an automated scoring system. Utilizing variant allele frequency, disease prevalence and penetrance estimates, and inheritance mode, an automated score was calculated to assess if this variant is too frequent to cause the disease. Based on the score and internal cut-off values, a variant classified as benign is not then subjected to further curation. The score for this variant resulted in a classification of benign for this disease.

Illumina Laboratory Services, Illumina
Classification: Likely benign for Supravalvar aortic stenosis. Last evaluated: 2018-01-13. Review status: criteria provided, single submitter. Criteria: ICSL Variant Classification Criteria 13 December 2019. Collection method: clinical testing. Allele origin: germline.
Comment: This variant was observed in the ICSL laboratory as part of a predisposition screen in an ostensibly healthy population. It had not been previously curated by ICSL or reported in the Human Gene Mutation Database (HGMD: prior to June 1st, 2018), and was therefore a candidate for classification through an automated scoring system. Utilizing variant allele frequency, disease prevalence and penetrance estimates, and inheritance mode, an automated score was calculated to assess if this variant is too frequent to cause the disease. Based on the score and internal cut-off values, a variant classified as likely benign is not then subjected to further curation. The score for this variant resulted in a classification of likely benign for this disease.

NM_000501.4(ELN):c.1467C>T (p.Val489=)

Genes: ELN (elastin; plus strand), ELN-AS1 (ELN antisense RNA 1; minus strand). Cytogenetic location: 7q11.23.
Variant type: single nucleotide variant.
Coding change: c.1467C>T on transcript NM_000501.4 (MANE Select); coding-DNA position 1467, C replaced by T.
Protein change: p.Val489=; no amino-acid change (valine 489 retained).
Molecular consequence: synonymous variant.
Genome position (GRCh38, 1-based): chr7:74,059,938, C>T. VCF-style: chr7-74059938-C-T. GRCh37 (hg19) VCF-style: chr7-73474268-C-T.
Other names: c.1380C>T, p.Val460= (NM_001081752.3); c.1425C>T, p.Val475= (NM_001081753.3); c.1482C>T, p.Val494= (NM_001081754.3); c.1410C>T, p.Val470= (NM_001081755.3); c.1467C>T, p.Val489= (NM_001278912.2); c.1224C>T, p.Val408= (NM_001278913.2); c.1395C>T, p.Val465= (NM_001278914.2); c.1485C>T, p.Val495= (NM_001278915.2); and 4 more.
Identifiers: ClinVar variation 908281 (VCV000908281.8), dbSNP rs200512332, ClinGen allele CA4293069.